The following is an entry in ClinVar:

ClinVar aggregate classification (germline): Uncertain significance. Review status: criteria provided, multiple submitters, no conflicts (2 of 4 stars). 2 submissions from 2 submitters: Uncertain significance (2). Last evaluated 2026-01-04.

Conditions:
Hereditary cancer-predisposing syndrome. Also called: Hereditary Cancer Syndrome; Hereditary neoplastic syndrome; Tumor predisposition; Neoplastic Syndromes, Hereditary. Identifiers: Orphanet 140162, MedGen C0027672, MeSH D009386, MONDO:0015356.
Rhabdoid tumor predisposition syndrome 2 (RTPS2). Identifiers: Orphanet 231108, Orphanet 69077, MedGen C2750074, MONDO:0013224, OMIM 613325.

Allele frequency attached by ClinVar (database versions not stated): gnomAD exomes below 0.00001; TOPMed below 0.00001.
gnomAD v4.1: 2 of 1,612,034 alleles (0.00012%); highest among the groups gnomAD compares: Non-Finnish European, 0.000085%; no homozygotes.

Submissions (2):

Labcorp Genetics (formerly Invitae), Labcorp
Classification: Uncertain significance for Rhabdoid tumor predisposition syndrome 2. Last evaluated: 2026-01-04. Review status: criteria provided, single submitter. Criteria: Invitae Variant Classification Sherloc (09022015). Collection method: clinical testing. Allele origin: germline.
Comment: This sequence change replaces arginine, which is basic and polar, with cysteine, which is neutral and slightly polar, at codon 1511 of the SMARCA4 protein (p.Arg1511Cys). This variant is present in population databases (no rsID available, gnomAD 0.005%). This variant has not been reported in the literature in individuals affected with SMARCA4-related conditions. ClinVar contains an entry for this variant (Variation ID: 841321). Invitae Evidence Modeling of protein sequence and biophysical properties (such as structural, functional, and spatial information, amino acid conservation, physicochemical variation, residue mobility, and thermodynamic stability) indicates that this missense variant is expected to disrupt SMARCA4 protein function with a positive predictive value of 95%. In summary, the available evidence is currently insufficient to determine the role of this variant in disease. Therefore, it has been classified as a Variant of Uncertain Significance.

Ambry Genetics
Classification: Uncertain significance for Hereditary cancer-predisposing syndrome. Last evaluated: 2024-07-15. Review status: criteria provided, single submitter. Criteria: Ambry Variant Classification Scheme 2023. Collection method: clinical testing. Allele origin: germline.
Comment: The p.R1511C variant (also known as c.4531C>T), located in coding exon 31 of the SMARCA4 gene, results from a C to T substitution at nucleotide position 4531. The arginine at codon 1511 is replaced by cysteine, an amino acid with highly dissimilar properties. This amino acid position is highly conserved in available vertebrate species. In addition, the in silico prediction for this alteration is inconclusive. Missense and in-frame variants in SMARCA4 are known to cause neurodevelopmental disorders; however, such associations with rhabdoid tumor predisposition syndrome including small cell carcinoma of the ovary-hypercalcemic type (SCCOHT) are exceedingly rare (Kosho T et al. Am J Med Genet C Semin Med Genet. 2014 Sep;166C(3):262-75; Jelinic P et al. Nat Genet. 2014 May;46(5):424-6). Based on the supporting evidence, the association of this alteration with Coffin-Siris syndrome is unknown; however, the association of this alteration with rhabdoid tumor predisposition syndrome is unlikely.

NM_003072.5(SMARCA4):c.4435C>T (p.Arg1479Cys)

Gene: SMARCA4 (SWI/SNF related BAF chromatin remodeling complex subunit ATPase 4; plus strand). Cytogenetic location: 19p13.2.
Variant type: single nucleotide variant.
Coding change: c.4435C>T on transcript NM_003072.5 (MANE Select); coding-DNA position 4435, C replaced by T.
Protein change: p.Arg1479Cys; replaces arginine 1479 with cysteine.
Molecular consequence: missense variant. On other transcripts: non-coding transcript variant (1).
Genome position (GRCh38, 1-based): chr19:11,058,265, C>T. VCF-style: chr19-11058265-C-T. GRCh37 (hg19) VCF-style: chr19-11168941-C-T.
Other names: c.4435C>T, p.Arg1479Cys (NM_001128844.3); c.4345C>T, p.Arg1449Cys (NM_001128845.2); c.4342C>T, p.Arg1448Cys (NM_001128846.2); c.4336C>T, p.Arg1446Cys (NM_001128847.4, NM_001374457.1); c.4333C>T, p.Arg1445Cys (NM_001128848.2); c.4531C>T, p.Arg1511Cys (NM_001128849.3); short protein forms R1445C, R1479C, R1448C, R1511C, R1446C, R1449C.
Identifiers: ClinVar variation 841321 (VCV000841321.13), dbSNP rs1458830964, ClinGen allele CA404077217.
Genomic context (GRCh38, chr19:11,058,265, plus strand): 5'-CTCCCGGGTGGGCGGACTCGGGGGTGATAGCCGCCGGTTCTGCCTTGCAGCAGCAGTGGA[C>T]GTCAGCTCAGCGAGGTCTTCATCCAGCTGCCCTCGCGAAAGGAGCTGCCCGAGTACTACG-3'
Protein context (NP_003063.2, residues 1469-1489): VIKYKDSSSG[Arg1479Cys]QLSEVFIQLP